The following is an entry in ClinVar:

ClinVar aggregate classification (germline): Uncertain significance (1 of 4 stars; one submission).

Allele frequency attached by ClinVar (database versions not stated): gnomAD exomes below 0.00001; ExAC 0.00001.
gnomAD v4.1: 3 of 1,614,150 alleles (0.00019%); highest among the groups gnomAD compares: Non-Finnish European, 0.00025%; no homozygotes.

Submission:

Ambry Genetics
Classification: Uncertain significance. Last evaluated: 2023-01-25. Review status: criteria provided, single submitter. Criteria: Ambry Variant Classification Scheme 2023. Collection method: clinical testing. Allele origin: germline.
Comment: The p.E958Q variant (also known as c.2872G>C), located in coding exon 4 of the ALPK2 gene, results from a G to C substitution at nucleotide position 2872. The glutamic acid at codon 958 is replaced by glutamine, an amino acid with highly similar properties. This amino acid position is conserved. In addition, this alteration is predicted to be tolerated by in silico analysis. Since supporting evidence is limited at this time, the clinical significance of this alteration remains unclear.

NM_052947.4(ALPK2):c.2872G>C (p.Glu958Gln)

Gene: ALPK2 (alpha kinase 2; minus strand). Cytogenetic location: 18q21.31.
Variant type: single nucleotide variant.
Coding change: c.2872G>C on transcript NM_052947.4 (MANE Select); coding-DNA position 2872, G replaced by C.
Protein change: p.Glu958Gln; replaces glutamic acid 958 with glutamine.
Molecular consequence: missense variant.
Genome position (GRCh38, 1-based): chr18:58,537,315, C>G on the plus strand (G>C on the coding strand, the complement: ALPK2 is on the minus strand). VCF-style: chr18-58537315-C-G. GRCh37 (hg19) VCF-style: chr18-56204547-C-G.
Other names: short protein forms E958Q.
Identifiers: ClinVar variation 2450600 (VCV002450600.2), dbSNP rs775426541, ClinGen allele CA8977001.